The following is an entry in ClinVar:

ClinVar aggregate classification (germline): Uncertain significance (1 of 4 stars; one submission).

Conditions:
Gingival disorder. Also called: Gingival disease. Identifiers: MedGen C0017563, MONDO:0002021.

Submission:

Labcorp Genetics (formerly Invitae), Labcorp
Classification: Uncertain significance for Gingival disorder. Last evaluated: 2023-12-30. Review status: criteria provided, single submitter. Criteria: Invitae Variant Classification Sherloc (09022015). Collection method: clinical testing. Allele origin: germline.
Comment: This sequence change replaces valine, which is neutral and non-polar, with methionine, which is neutral and non-polar, at codon 47 of the FPR1 protein (p.Val47Met). This variant is not present in population databases (gnomAD no frequency). This variant has not been reported in the literature in individuals affected with FPR1-related conditions. An algorithm developed to predict the effect of missense changes on protein structure and function (PolyPhen-2) suggests that this variant is likely to be disruptive. In summary, the available evidence is currently insufficient to determine the role of this variant in disease. Therefore, it has been classified as a Variant of Uncertain Significance.

NM_002029.4(FPR1):c.139G>A (p.Val47Met)

Gene: FPR1 (formyl peptide receptor 1; minus strand). Cytogenetic location: 19q13.41.
Variant type: single nucleotide variant.
Coding change: c.139G>A on transcript NM_002029.4 (MANE Select); coding-DNA position 139, G replaced by A.
Protein change: p.Val47Met; replaces valine 47 with methionine.
Molecular consequence: missense variant.
Genome position (GRCh38, 1-based): chr19:51,746,856, C>T on the plus strand (G>A on the coding strand, the complement: FPR1 is on the minus strand). VCF-style: chr19-51746856-C-T. GRCh37 (hg19) VCF-style: chr19-52250109-C-T.
Other names: c.139G>A, p.Val47Met (NM_001193306.2); short protein forms V47M.
Identifiers: ClinVar variation 2988146 (VCV002988146.3), dbSNP rs759165021, ClinGen allele CA407120673.